The following is an entry in ClinVar:

ClinVar aggregate classification (germline): Uncertain significance (1 of 4 stars; one submission).

Conditions:
Hereditary spastic paraplegia 4. Also called: Spastic paraplegia 4, autosomal dominant; Spastic Paraplegia 4; Familial spastic paraplegia autosomal dominant 2. Identifiers: Orphanet 100985, MedGen C1866855, MONDO:0008438, OMIM 182601.

Submission:

Labcorp Genetics (formerly Invitae), Labcorp
Classification: Uncertain significance for Hereditary spastic paraplegia 4. Last evaluated: 2019-07-22. Review status: criteria provided, single submitter. Criteria: Invitae Variant Classification Sherloc (09022015). Collection method: clinical testing. Allele origin: germline.
Comment: This sequence change falls in intron 3 of the SPAST gene. It does not directly change the encoded amino acid sequence of the SPAST protein, but it affects a nucleotide within the consensus splice site of the intron. In summary, the available evidence is currently insufficient to determine the role of this variant in disease. Therefore, it has been classified as a Variant of Uncertain Significance. Nucleotide substitutions within the consensus splice site are a relatively common cause of aberrant splicing (PMID: 17576681, 9536098). Algorithms developed to predict the effect of sequence changes on RNA splicing suggest that this variant may disrupt the consensus splice site, but this prediction has not been confirmed by published transcriptional studies. This variant is not present in population databases (ExAC no frequency).

Literature cited by the submitters: PubMed 17576681; PubMed 9536098.

NM_014946.4(SPAST):c.586+3A>G

Gene: SPAST (spastin; plus strand). Cytogenetic location: 2p22.3.
Variant type: single nucleotide variant.
Coding change: c.586+3A>G on transcript NM_014946.4 (MANE Select); 3 bases into the intron after coding-DNA position 586, A replaced by G.
Molecular consequence: intron variant.
Genome position (GRCh38, 1-based): chr2:32,089,608, A>G. VCF-style: chr2-32089608-A-G. GRCh37 (hg19) VCF-style: chr2-32314677-A-G.
Other names: c.586+3A>G (NM_199436.2, NM_001377959.1); c.583+3A>G (NM_001363823.2, NM_001363875.2).
Identifiers: ClinVar variation 963639 (VCV000963639.9), dbSNP rs1677631075, ClinGen allele CA1139656851.
Genomic context (GRCh38, chr2:32,089,608, plus strand): 5'-CTTCAAGCTAAAATGATGACTAATTTGGTTATGGCCAAGGACCGCTTACAACTTCTAGGT[A>G]TCAATTAATGTATAATTTGATGTGGGATGTATTGGAAATGTGTGTTCAATGAAACTTTAA-3'